The following is an entry in ClinVar:

NM_004183.4(BEST1):c.611C>G (p.Pro204Arg)

Gene: BEST1 (bestrophin 1; plus strand). Cytogenetic location: 11q12.3.
Variant type: single nucleotide variant.
Coding change: c.611C>G on transcript NM_004183.4 (MANE Select); coding-DNA position 611, C replaced by G.
Protein change: p.Pro204Arg; replaces proline 204 with arginine.
Molecular consequence: missense variant. On other transcripts: non-coding transcript variant (1).
Genome position (GRCh38, 1-based): chr11:61,956,973, C>G. VCF-style: chr11-61956973-C-G. GRCh37 (hg19) VCF-style: chr11-61724445-C-G.
Other names: c.431C>G, p.Pro144Arg (NM_001139443.3, NM_001300786.2, NM_001300787.2); c.293C>G, p.Pro98Arg (NM_001363591.3); c.611C>G, p.Pro204Arg (NM_001363592.2); c.-565C>G (NM_001363593.3); short protein forms P144R, P204R, P98R.
Identifiers: ClinVar variation 1716209 (VCV001716209.6), dbSNP rs2541373044, ClinGen allele CA380837808.

ClinVar aggregate classification (germline): Uncertain significance. Review status: criteria provided, multiple submitters, no conflicts (2 of 4 stars). 2 submissions from 2 submitters: Uncertain significance (2). Last evaluated 2023-04-27.

Submissions (2):

GeneDx
Classification: Uncertain significance. Last evaluated: 2023-04-27. Review status: criteria provided, single submitter. Criteria: GeneDx Variant Classification Process June 2021. Collection method: clinical testing. Allele origin: germline. Affected: yes.
Comment: Not observed at significant frequency in large population cohorts (gnomAD); In silico analysis supports that this missense variant does not alter protein structure/function; Has not been previously published as pathogenic or benign to our knowledge

Labcorp Genetics (formerly Invitae), Labcorp
Classification: Uncertain significance. Last evaluated: 2022-08-31. Review status: criteria provided, single submitter. Criteria: Invitae Variant Classification Sherloc (09022015). Collection method: clinical testing. Allele origin: germline.
Comment: In summary, the available evidence is currently insufficient to determine the role of this variant in disease. Therefore, it has been classified as a Variant of Uncertain Significance. Algorithms developed to predict the effect of missense changes on protein structure and function are either unavailable or do not agree on the potential impact of this missense change (SIFT: "Tolerated"; PolyPhen-2: "Possibly Damaging"; Align-GVGD: "Class C0"). This variant has not been reported in the literature in individuals affected with BEST1-related conditions. This variant is not present in population databases (gnomAD no frequency). This sequence change replaces proline, which is neutral and non-polar, with arginine, which is basic and polar, at codon 204 of the BEST1 protein (p.Pro204Arg).